The following is an entry in ClinVar:

NM_000218.3(KCNQ1):c.1514+18144_1514+18146del

Genes: KCNQ1 (potassium voltage-gated channel subfamily Q member 1; plus strand), KCNQ1OT1 (KCNQ1 opposite strand/antisense transcript 1; minus strand). Cytogenetic location: 11p15.5.
Variant type: Deletion.
Coding change: c.1514+18144_1514+18146del on transcript NM_000218.3 (MANE Select); bases 18144 to 18146 of the intron after coding-DNA position 1514, 3 bases deleted (AAA; older notation c.1514+18144_1514+18146delAAA).
Molecular consequence: intron variant.
Genome position (GRCh38, 1-based): chr11:2,680,225-2,680,227, AAA deleted; deleting any 3 consecutive bases within chr11:2,680,207-2,680,227 gives the same sequence; the c. name uses the placement nearest the transcript's 3' end. VCF-style (leftmost placement, unchanged base first): chr11-2680206-TAAA-T. GRCh37 (hg19) VCF-style: chr11-2701436-TAAA-T.
Other names: c.1244+18144_1244+18146del (NM_001406837.1); c.1418+18144_1418+18146del (NM_001406836.1); c.974+18144_974+18146del (NM_001406838.1); c.1133+18144_1133+18146del (NM_181798.2).
Identifiers: ClinVar variation 2578647 (VCV002578647.26), dbSNP rs139249507, ClinGen allele CA216184474.
Genomic context (GRCh38, chr11:2,680,206, plus strand): 5'-CCTCCTAAAGTGCTGGGATTACGGGCGTGAGCCAATGCACCTGGCCTCAGCTTGCCTAAT[TAAA>T]AAAAAAAAAAAAAAAAAAGTTGTCTATCTGTGTGTATATTCATATCCCATTGGCATTTGT-3'

ClinVar aggregate classification (germline): Benign/Likely benign. Review status: criteria provided, multiple submitters, no conflicts (2 of 4 stars). 2 submissions from 2 submitters: Benign (1); Likely benign (1). Last evaluated 2024-11-27.

Submissions (2):

Blueprint Genetics
Classification: Likely benign. Last evaluated: 2024-11-27. Review status: criteria provided, single submitter. Criteria: ACMG Guidelines, 2015. Collection method: clinical testing. Allele origin: germline.

CeGaT Center for Human Genetics Tuebingen
Classification: Benign. Last evaluated: 2023-09-01. Review status: criteria provided, single submitter. Criteria: CeGaT Center For Human Genetics Tuebingen Variant Classification Criteria Version 2. Collection method: clinical testing. Allele origin: germline. Affected: yes. Observed: 6 variant alleles.
Comment: KCNQ1OT1: BS1, BS2